The following is an entry in ClinVar:

ClinVar aggregate classification (germline): Uncertain significance. Review status: criteria provided, multiple submitters, no conflicts (2 of 4 stars). 2 submissions from 2 submitters: Uncertain significance (2). Last evaluated 2025-03-31.

Submissions (2):

Labcorp Genetics (formerly Invitae), Labcorp
Classification: Uncertain significance. Last evaluated: 2025-03-31. Review status: criteria provided, single submitter. Criteria: Invitae Variant Classification Sherloc (09022015). Collection method: clinical testing. Allele origin: germline.
Comment: This sequence change replaces glycine, which is neutral and non-polar, with aspartic acid, which is acidic and polar, at codon 679 of the COL9A1 protein (p.Gly679Asp). This variant is not present in population databases (gnomAD no frequency). This variant has not been reported in the literature in individuals affected with COL9A1-related conditions. ClinVar contains an entry for this variant (Variation ID: 1479281). An algorithm developed to predict the effect of missense changes on protein structure and function (PolyPhen-2) suggests that this variant is likely to be disruptive. In summary, the available evidence is currently insufficient to determine the role of this variant in disease. Therefore, it has been classified as a Variant of Uncertain Significance.

GeneDx
Classification: Uncertain significance. Last evaluated: 2023-05-19. Review status: criteria provided, single submitter. Criteria: GeneDx Variant Classification Process June 2021. Collection method: clinical testing. Allele origin: germline. Affected: yes.
Comment: Not observed at significant frequency in large population cohorts (gnomAD); In silico analysis supports that this missense variant has a deleterious effect on protein structure/function; Has not been previously published as pathogenic or benign to our knowledge

NM_001851.6(COL9A1):c.2036G>A (p.Gly679Asp)

Gene: COL9A1 (collagen type IX alpha 1 chain; minus strand). Cytogenetic location: 6q13.
Variant type: single nucleotide variant.
Coding change: c.2036G>A on transcript NM_001851.6 (MANE Select); coding-DNA position 2036, G replaced by A.
Protein change: p.Gly679Asp; replaces glycine 679 with aspartic acid.
Molecular consequence: missense variant. On other transcripts: non-coding transcript variant (1).
Genome position (GRCh38, 1-based): chr6:70,240,732, C>T on the plus strand (G>A on the coding strand, the complement: COL9A1 is on the minus strand). VCF-style: chr6-70240732-C-T. GRCh37 (hg19) VCF-style: chr6-70950435-C-T.
Other names: c.2036G>A (NM_001851.4); c.1337G>A, p.Gly446Asp (NM_001377289.1); c.1307G>A, p.Gly436Asp (NM_001377290.1, NM_078485.4); short protein forms G436D, G446D, G679D.
Identifiers: ClinVar variation 1479281 (VCV001479281.7), dbSNP rs2127564614, ClinGen allele CA364674999.